The following is an entry in ClinVar:

NM_000529.2(MC2R):c.*1604G>C

Gene: MC2R (melanocortin 2 receptor; minus strand). Cytogenetic location: 18p11.21.
Variant type: single nucleotide variant.
Coding change: c.*1604G>C on transcript NM_000529.2 (MANE Select); 1604 bases downstream of the stop codon, G replaced by C.
Molecular consequence: 3 prime UTR variant.
Genome position (GRCh38, 1-based): chr18:13,883,021, C>G on the plus strand (G>C on the coding strand, the complement: MC2R is on the minus strand). VCF-style: chr18-13883021-C-G. GRCh37 (hg19) VCF-style: chr18-13883020-C-G.
Other names: c.*1604G>C (NM_001291911.1).
Identifiers: ClinVar variation 326138 (VCV000326138.6), dbSNP rs28926185, ClinGen allele CA10641086.

ClinVar aggregate classification (germline): Benign. Review status: criteria provided, multiple submitters, no conflicts (2 of 4 stars). 2 submissions from 2 submitters: Benign (2). Last evaluated 2018-01-12.

Conditions:
Glucocorticoid deficiency 1 (GCCD1). Also called: FAMILIAL GLUCOCORTICOID DEFICIENCY 1; Adrenal unresponsiveness to acth; Glucocorticoid deficiency, due to ACTH unresponsiveness. Identifiers: Orphanet 361, MedGen C4049650, MONDO:0024536, OMIM 202200.

Allele frequency attached by ClinVar (database versions not stated): gnomAD exomes 0.02083; 1000 Genomes Project 30x 0.02202; 1000 Genomes Project 0.02356; TOPMed 0.02659.
gnomAD v4.1: 4,081 of 152,424 alleles (2.7%); highest among the groups gnomAD compares: South Asian, 5.5%; 67 homozygotes.

Submissions (2):

Illumina Laboratory Services, Illumina
Classification: Benign for Glucocorticoid deficiency 1. Last evaluated: 2018-01-12. Review status: criteria provided, single submitter. Criteria: ICSL Variant Classification Criteria 13 December 2019. Collection method: clinical testing. Allele origin: germline.
Comment: This variant was observed in the ICSL laboratory as part of a predisposition screen in an ostensibly healthy population. It had not been previously curated by ICSL or reported in the Human Gene Mutation Database (HGMD: prior to June 1st, 2018), and was therefore a candidate for classification through an automated scoring system. Utilizing variant allele frequency, disease prevalence and penetrance estimates, and inheritance mode, an automated score was calculated to assess if this variant is too frequent to cause the disease. Based on the score and internal cut-off values, a variant classified as benign is not then subjected to further curation. The score for this variant resulted in a classification of benign for this disease.

Breakthrough Genomics
Classification: Benign. Review status: criteria provided, single submitter. Criteria: ACMG Guidelines, 2015. Collection method: not provided. Allele origin: germline. Inheritance: Autosomal recessive inheritance. Affected: yes.